The following is an entry in ClinVar:

ClinVar aggregate classification (germline): Uncertain significance (1 of 4 stars; one submission).

Submission:

Labcorp Genetics (formerly Invitae), Labcorp
Classification: Uncertain significance. Last evaluated: 2025-04-14. Review status: criteria provided, single submitter. Criteria: Invitae Variant Classification Sherloc (09022015). Collection method: clinical testing. Allele origin: germline.
Comment: This sequence change replaces cysteine, which is neutral and slightly polar, with arginine, which is basic and polar, at codon 732 of the C5 protein (p.Cys732Arg). This variant is not present in population databases (gnomAD no frequency). This variant has not been reported in the literature in individuals affected with C5-related conditions. Invitae Evidence Modeling of protein sequence and biophysical properties (such as structural, functional, and spatial information, amino acid conservation, physicochemical variation, residue mobility, and thermodynamic stability) indicates that this missense variant is expected to disrupt C5 protein function with a positive predictive value of 80%. In summary, the available evidence is currently insufficient to determine the role of this variant in disease. Therefore, it has been classified as a Variant of Uncertain Significance.

NM_001735.3(C5):c.2194T>C (p.Cys732Arg)

Gene: C5 (complement C5; minus strand). Cytogenetic location: 9q33.2.
Variant type: single nucleotide variant.
Coding change: c.2194T>C on transcript NM_001735.3 (MANE Select); coding-DNA position 2194, T replaced by C.
Protein change: p.Cys732Arg; replaces cysteine 732 with arginine.
Molecular consequence: missense variant.
Genome position (GRCh38, 1-based): chr9:121,013,936, A>G on the plus strand (T>C on the coding strand, the complement: C5 is on the minus strand). VCF-style: chr9-121013936-A-G. GRCh37 (hg19) VCF-style: chr9-123776214-A-G.
Other names: c.2212T>C, p.Cys738Arg (NM_001317163.2); c.2194T>C, p.Cys732Arg (NM_001317164.2); short protein forms C732R, C738R.
Identifiers: ClinVar variation 4696152 (VCV004696152.1).